The following is an entry in ClinVar:

NM_001267550.2(TTN):c.49157A>G (p.Tyr16386Cys)

Genes: TTN (titin; minus strand), TTN-AS1 (TTN antisense RNA 1; plus strand), LOC126806426 (BRD4-independent group 4 enhancer GRCh37_chr2:179478848-179480047; plus strand). Cytogenetic location: 2q31.2.
Variant type: single nucleotide variant.
Coding change: c.49157A>G on transcript NM_001267550.2 (MANE Select); coding-DNA position 49157, A replaced by G.
Protein change: p.Tyr16386Cys; replaces tyrosine 16386 with cysteine.
Molecular consequence: missense variant. On other transcripts: non-coding transcript variant (1).
Genome position (GRCh38, 1-based): chr2:178,614,240, T>C on the plus strand (A>G on the coding strand, the complement: TTN is on the minus strand). VCF-style: chr2-178614240-T-C. GRCh37 (hg19) VCF-style: chr2-179478967-T-C.
Other names: c.44234A>G, p.Tyr14745Cys (NM_001256850.1); c.21962A>G, p.Tyr7321Cys (NM_003319.4); c.41453A>G, p.Tyr13818Cys (NM_133378.4); c.22337A>G, p.Tyr7446Cys (NM_133432.3); c.22538A>G, p.Tyr7513Cys (NM_133437.4); short protein forms Y13818C, Y14745C, Y16386C, Y7321C, Y7446C, Y7513C.
Identifiers: ClinVar variation 3339022 (VCV003339022.3), dbSNP rs190721620.

ClinVar aggregate classification (germline): Conflicting classifications of pathogenicity. Review status: criteria provided, conflicting classifications (1 of 4 stars). 3 submissions from 3 submitters: Uncertain significance (2); Likely benign (1). Last evaluated 2024-07-30.

Conditions:
Dilated cardiomyopathy 1G (CMD1G). Identifiers: Orphanet 154, MedGen C1858763, MONDO:0011400, OMIM 604145.
Tibial muscular dystrophy (TMD). Also called: Udd Distal Myopathy – Tibial Muscular Dystrophy; UDD MYOPATHY; Tibial muscular dystrophy, tardive. Identifiers: Orphanet 609, MedGen C1838244, MONDO:0010870, OMIM 600334.
Myopathy, myofibrillar, 9, with early respiratory failure (MFM9). Also called: Myopathy, distal, with early respiratory failure, autosomal dominant; Hereditary myopathy with early respiratory failure; EDSTROM MYOPATHY; MYOPATHY, PROXIMAL, WITH EARLY RESPIRATORY MUSCLE INVOLVEMENT. Identifiers: Orphanet 178464, Orphanet 34521, MedGen C1863599, MONDO:0011362, OMIM 603689.
Early-onset myopathy with fatal cardiomyopathy (CMYO5). Also called: CONGENITAL MYOPATHY 5 WITH CARDIOMYOPATHY; Salih Myopathy. Identifiers: Orphanet 289377, MedGen C2673677, MONDO:0012714, OMIM 611705. Disease mechanism: loss of function.
Hypertrophic cardiomyopathy 9. Also called: Familial hypertrophic cardiomyopathy 9. Identifiers: MedGen C1861065, MONDO:0013412, OMIM 613765.
Autosomal recessive limb-girdle muscular dystrophy type 2J (LGMDR10). Also called: MUSCULAR DYSTROPHY, LIMB-GIRDLE, AUTOSOMAL RECESSIVE 10; Limb-girdle muscular dystrophy, type 2J. Identifiers: Orphanet 140922, MedGen C1837342, MONDO:0012127, OMIM 608807.

Allele frequency attached by ClinVar (database versions not stated): TOPMed below 0.00001 and 0.00001; ExAC 0.00001; gnomAD 0.00001; gnomAD exomes 0.00001; 1000 Genomes Project 0.00020.
gnomAD v4.1: 11 of 1,612,584 alleles (0.00068%); highest among the groups gnomAD compares: East Asian, 0.0022%; no homozygotes.

Submissions (3):

Women's Health and Genetics/Laboratory Corporation of America, LabCorp
Classification: Uncertain significance. Last evaluated: 2024-07-30. Review status: criteria provided, single submitter. Criteria: LabCorp Variant Classification Summary - May 2015. Collection method: clinical testing. Allele origin: germline.
Comment: Variant summary: TTN c.41453A>G (p.Tyr13818Cys) results in a non-conservative amino acid change located in the A-band region of the encoded protein sequence. Four of four in-silico tools predict a damaging effect of the variant on protein function. The variant allele was found at a frequency of 8.1e-06 in 247476 control chromosomes. The available data on variant occurrences in the general population are insufficient to allow any conclusion about variant significance. To our knowledge, no occurrence of c.41453A>G in individuals affected with Limb-Girdle Muscular Dystrophy, Type 2J and no experimental evidence demonstrating its impact on protein function have been reported. No submitters have cited clinical-significance assessments for this variant to ClinVar. Based on the evidence outlined above, the variant was classified as uncertain significance.

Blueprint Genetics
Classification: Likely benign. Last evaluated: 2023-08-18. Review status: criteria provided, single submitter. Criteria: ACMG Guidelines, 2015. Collection method: clinical testing. Allele origin: germline.

Department of Pathology and Laboratory Medicine, Sinai Health System
Classification: Uncertain significance for Tibial muscular dystrophy; Myopathy, myofibrillar, 9, with early respiratory failure; Dilated cardiomyopathy 1G; Autosomal recessive limb-girdle muscular dystrophy type 2J; Early-onset myopathy with fatal cardiomyopathy; Hypertrophic cardiomyopathy 9. Last evaluated: 2021-12-08. Review status: criteria provided, single submitter. Criteria: ACMG Guidelines, 2015. Collection method: research. Allele origin: germline.